The following is an entry in ClinVar:

ClinVar aggregate classification (germline): Conflicting classifications of pathogenicity. Review status: criteria provided, conflicting classifications (1 of 4 stars). 2 submissions from 2 submitters: Uncertain significance (1); Likely benign (1). Last evaluated 2025-04-09.

Conditions:
Dilated cardiomyopathy 1G (CMD1G). Identifiers: Orphanet 154, MedGen C1858763, MONDO:0011400, OMIM 604145.
Autosomal recessive limb-girdle muscular dystrophy type 2J (LGMDR10). Also called: MUSCULAR DYSTROPHY, LIMB-GIRDLE, AUTOSOMAL RECESSIVE 10; Limb-girdle muscular dystrophy, type 2J. Identifiers: Orphanet 140922, MedGen C1837342, MONDO:0012127, OMIM 608807.

Allele frequency attached by ClinVar (database versions not stated): gnomAD exomes below 0.00001 and 0.00001.
gnomAD v4.1: 14 of 1,613,494 alleles (0.00087%); highest among the groups gnomAD compares: Non-Finnish European, 0.0012%; no homozygotes.

Submissions (2):

Molecular Diagnostic Laboratory for Inherited Cardiovascular Disease, Montreal Heart Institute
Classification: Likely benign. Last evaluated: 2025-04-09. Review status: criteria provided, single submitter. Criteria: ACMG Guidelines, 2015. Collection method: clinical testing. Allele origin: germline. Affected: no.
Comment: BP1

Labcorp Genetics (formerly Invitae), Labcorp
Classification: Uncertain significance for Dilated cardiomyopathy 1G; Autosomal recessive limb-girdle muscular dystrophy type 2J. Last evaluated: 2024-02-17. Review status: criteria provided, single submitter. Criteria: Invitae Variant Classification Sherloc (09022015). Collection method: clinical testing. Allele origin: germline.
Comment: This sequence change replaces serine, which is neutral and polar, with leucine, which is neutral and non-polar, at codon 34794 of the TTN protein (p.Ser34794Leu). This variant is present in population databases (no rsID available, gnomAD 0.0009%). This variant has not been reported in the literature in individuals affected with TTN-related conditions. ClinVar contains an entry for this variant (Variation ID: 1445143). Experimental studies and prediction algorithms are not available or were not evaluated, and the functional significance of this variant is currently unknown. This variant is located in the M band of TTN (PMID: 25589632). Non-truncating variants in this region may be relevant for neuromuscular disorders, but have not been definitively shown to cause cardiomyopathy (PMID: 23975875). In summary, the available evidence is currently insufficient to determine the role of this variant in disease. Therefore, it has been classified as a Variant of Uncertain Significance.

Literature cited by the submitters: PubMed 25589632 (cited by Labcorp Genetics (formerly Invitae), Labcorp); PubMed 23975875 (cited by Labcorp Genetics (formerly Invitae), Labcorp).

NM_001267550.2(TTN):c.104381C>T (p.Ser34794Leu)

Genes: TTN-AS1 (TTN antisense RNA 1; plus strand), TTN (titin; minus strand). Cytogenetic location: 2q31.2.
Variant type: single nucleotide variant.
Coding change: c.104381C>T on transcript NM_001267550.2 (MANE Select); coding-DNA position 104381, C replaced by T.
Protein change: p.Ser34794Leu; replaces serine 34794 with leucine.
Molecular consequence: missense variant.
Genome position (GRCh38, 1-based): chr2:178,532,234, G>A on the plus strand (C>T on the coding strand, the complement: TTN is on the minus strand). VCF-style: chr2-178532234-G-A. GRCh37 (hg19) VCF-style: chr2-179396961-G-A.
Other names: c.99458C>T, p.Ser33153Leu (NM_001256850.1); c.77186C>T, p.Ser25729Leu (NM_003319.4); c.96677C>T, p.Ser32226Leu (NM_133378.4); c.77561C>T, p.Ser25854Leu (NM_133432.3); c.77762C>T, p.Ser25921Leu (NM_133437.4); short protein forms S25854L, S25729L, S34794L, S25921L, S32226L, S33153L.
Identifiers: ClinVar variation 1445143 (VCV001445143.7), dbSNP rs1302011604, ClinGen allele CA349411859.
Genomic context (GRCh38, chr2:178,532,234, plus strand): 5'-TCTGTTATTTCTGTCACTTCTCTTTGTCGCCTTGATTTCTTTCTAGACTTTTCCTCCTTT[G>A]ACATGAAGTCAAGTTCGCTTTTGTATTCTGAGAGATGCTGGGTGGTCGTAACTGGGCGAA-3'
Protein context (NP_001254479.2, residues 34784-34804): SEYKSELDFM[Ser34794Leu]KEEKSRKKSR